The following is an entry in ClinVar:

NM_002103.5(GYS1):c.583C>T (p.Arg195Ter)

Gene: GYS1 (glycogen synthase 1; minus strand). Cytogenetic location: 19q13.33.
Variant type: single nucleotide variant.
Coding change: c.583C>T on transcript NM_002103.5 (MANE Select); coding-DNA position 583, C replaced by T.
Protein change: p.Arg195Ter; replaces arginine 195 with a stop codon.
Molecular consequence: nonsense. On other transcripts: non-coding transcript variant (1).
Genome position (GRCh38, 1-based): chr19:48,985,945, G>A on the plus strand (C>T on the coding strand, the complement: GYS1 is on the minus strand). VCF-style: chr19-48985945-G-A. GRCh37 (hg19) VCF-style: chr19-49489202-G-A.
Other names: c.391C>T, p.Arg131Ter (NM_001161587.2); short protein forms R131*, R195*.
Identifiers: ClinVar variation 2416446 (VCV002416446.6), dbSNP rs756802243, ClinGen allele CA9563296.
Genomic context (GRCh38, chr19:48,985,945, plus strand): 5'-CACACAGGTAGCGCCCCAGCAGCGTGGCATGGGTGGTGAAGATGGTTGCTACAGGCAGTC[G>A]CCGGGCACGACACAGGCAGAGTCCAACGCCTGCCAACCACTCATGGAAGTGAGCAACCAC-3'

ClinVar aggregate classification (germline): Pathogenic (1 of 4 stars; one submission).

Conditions:
Glycogen storage disease due to muscle and heart glycogen synthase deficiency. Also called: GSD 0b; MUSCLE GLYCOGEN SYNTHASE DEFICIENCY. Identifiers: Orphanet 137625, MedGen C1969054, MONDO:0012693, OMIM 611556.

Allele frequency attached by ClinVar (database versions not stated): TOPMed below 0.00001.
gnomAD v4.1: 12 of 1,614,136 alleles (0.00074%); highest among the groups gnomAD compares: South Asian, 0.0022%; no homozygotes.

Submission:

Labcorp Genetics (formerly Invitae), Labcorp
Classification: Pathogenic for Glycogen storage disease due to muscle and heart glycogen synthase deficiency. Last evaluated: 2022-07-09. Review status: criteria provided, single submitter. Criteria: Invitae Variant Classification Sherloc (09022015). Collection method: clinical testing. Allele origin: germline.
Comment: For these reasons, this variant has been classified as Pathogenic. This variant has not been reported in the literature in individuals affected with GYS1-related conditions. This variant is present in population databases (rs756802243, gnomAD 0.003%). This sequence change creates a premature translational stop signal (p.Arg195*) in the GYS1 gene. It is expected to result in an absent or disrupted protein product. Loss-of-function variants in GYS1 are known to be pathogenic (PMID: 17928598, 19699667).

Literature cited by the submitters: PubMed 17928598; PubMed 19699667.